The following is an entry in ClinVar:

NM_014244.5(ADAMTS2):c.2015G>T (p.Arg672Leu)

Gene: ADAMTS2 (ADAM metallopeptidase with thrombospondin type 1 motif 2; minus strand). Cytogenetic location: 5q35.3.
Variant type: single nucleotide variant.
Coding change: c.2015G>T on transcript NM_014244.5 (MANE Select); coding-DNA position 2015, G replaced by T.
Protein change: p.Arg672Leu; replaces arginine 672 with leucine.
Molecular consequence: missense variant.
Genome position (GRCh38, 1-based): chr5:179,135,979, C>A on the plus strand (G>T on the coding strand, the complement: ADAMTS2 is on the minus strand). VCF-style: chr5-179135979-C-A. GRCh37 (hg19) VCF-style: chr5-178562980-C-A.
Other names: short protein forms R672L.
Identifiers: ClinVar variation 353116 (VCV000353116.21), dbSNP rs200806292, ClinGen allele CA3595712.
Genomic context (GRCh38, chr5:179,135,979, plus strand): 5'-CCGCGCACACAGAGGCTGAAGGCGTCCTTGTAGGAGCAGCGCGTCCCGTCATGCACCATG[C>A]GCTTCATGGACACCACCTCCCCGGTCTCCCTGGACTCGCAGTACAGGTGGCATCTCTCCT-3'
Protein context (NP_055059.2, residues 662-682): RETGEVVSMK[Arg672Leu]MVHDGTRCSY

ClinVar aggregate classification (germline): Conflicting classifications of pathogenicity. Review status: criteria provided, conflicting classifications (1 of 4 stars). 5 submissions from 5 submitters: Uncertain significance (3); Likely benign (1). 1 of the submissions does not count toward it. Last evaluated 2025-12-01.

Conditions:
Ehlers-Danlos syndrome, dermatosparaxis type. Also called: EDS VIIC; Dermatosparaxis; Ehlers-Danlos syndrome, type VII, autosomal recessive. Identifiers: Orphanet 1901, MedGen C2700425, MONDO:0009161, OMIM 225410.
Ehlers-Danlos syndrome (EDS). Identifiers: Orphanet 98249, MedGen C0013720, MONDO:0020066.

Allele frequency attached by ClinVar (database versions not stated): TOPMed 0.00022; 1000 Genomes Project 30x 0.00031.
gnomAD v4.1: 91 of 1,613,468 alleles (0.0056%); highest among the groups gnomAD compares: East Asian, 0.19%; 1 homozygote.

Submissions (5):

Labcorp Genetics (formerly Invitae), Labcorp
Classification: Likely benign for Ehlers-Danlos syndrome, dermatosparaxis type. Last evaluated: 2025-12-01. Review status: criteria provided, single submitter. Criteria: Invitae Variant Classification Sherloc (09022015). Collection method: clinical testing. Allele origin: germline.

GeneDx
Classification: Uncertain significance. Last evaluated: 2024-06-26. Review status: criteria provided, single submitter. Criteria: GeneDx Variant Classification Process June 2021. Collection method: clinical testing. Allele origin: germline. Affected: yes.
Comment: In silico analysis supports that this missense variant has a deleterious effect on protein structure/function; Has not been previously published as pathogenic or benign to our knowledge; This variant is associated with the following publications: (PMID: 32906206)

Genome Diagnostics Laboratory, The Hospital for Sick Children
Classification: Uncertain significance for Ehlers-Danlos syndrome. Last evaluated: 2019-01-01. Review status: criteria provided, single submitter. Criteria: ACMG Guidelines, 2015. Collection method: clinical testing. Allele origin: germline.

Illumina Laboratory Services, Illumina
Classification: Uncertain significance for Ehlers-Danlos syndrome, dermatosparaxis type. Last evaluated: 2018-01-13. Review status: criteria provided, single submitter. Criteria: ICSL Variant Classification Criteria 13 December 2019. Collection method: clinical testing. Allele origin: germline.

Natera, Inc.
Classification: Likely benign for Ehlers-Danlos syndrome type VIIC. Last evaluated: 2020-09-16. Review status: no assertion criteria provided. Collection method: clinical testing. Allele origin: germline. Not counted in ClinVar's aggregate classification.